The following is an entry in ClinVar:

ClinVar aggregate classification (germline): Likely benign. Review status: criteria provided, multiple submitters, no conflicts (2 of 4 stars). 3 submissions from 3 submitters: Likely benign (2). 1 of the submissions does not count toward it. Last evaluated 2024-04-20.

Conditions:
MED13L-related disorder. Also called: MED13L-related condition.
Inborn genetic diseases. Identifiers: MedGen C0950123, MeSH D030342.

Allele frequency attached by ClinVar (database versions not stated): gnomAD 0.00001 and 0.00004; TOPMed 0.00002; gnomAD exomes 0.00013; ESP Exome Variant Server 0.00015; 1000 Genomes Project 30x 0.00016; ExAC 0.00017; 1000 Genomes Project 0.00020.
gnomAD v4.1: 105 of 1,613,700 alleles (0.0065%); highest among the groups gnomAD compares: South Asian, 0.063%; no homozygotes.

Submissions (3):

Ambry Genetics
Classification: Likely benign for Inborn genetic diseases. Last evaluated: 2024-04-20. Review status: criteria provided, single submitter. Criteria: Ambry Variant Classification Scheme 2023. Collection method: clinical testing. Allele origin: germline.

Labcorp Genetics (formerly Invitae), Labcorp
Classification: Likely benign. Last evaluated: 2018-04-10. Review status: criteria provided, single submitter. Criteria: Invitae Variant Classification Sherloc (09022015). Collection method: clinical testing. Allele origin: germline.

PreventionGenetics, part of Exact Sciences
Classification: Likely benign for MED13L-related condition. Last evaluated: 2023-12-05. Review status: no assertion criteria provided. Collection method: clinical testing. Allele origin: germline. Not counted in ClinVar's aggregate classification.
Comment: This variant is classified as likely benign based on ACMG/AMP sequence variant interpretation guidelines (Richards et al. 2015 PMID: 25741868, with internal and published modifications).

NM_015335.5(MED13L):c.1198A>G (p.Thr400Ala)

Gene: MED13L (mediator complex subunit 13L; minus strand). Cytogenetic location: 12q24.21.
Variant type: single nucleotide variant.
Coding change: c.1198A>G on transcript NM_015335.5 (MANE Select); coding-DNA position 1198, A replaced by G.
Protein change: p.Thr400Ala; replaces threonine 400 with alanine.
Molecular consequence: missense variant.
Genome position (GRCh38, 1-based): chr12:116,012,879, T>C on the plus strand (A>G on the coding strand, the complement: MED13L is on the minus strand). VCF-style: chr12-116012879-T-C. GRCh37 (hg19) VCF-style: chr12-116450684-T-C.
Other names: short protein forms T400A.
Identifiers: ClinVar variation 696823 (VCV000696823.6), dbSNP rs143469047, ClinGen allele CA6811469.